The following is an entry in ClinVar:

NM_000165.5(GJA1):c.1000C>G (p.Pro334Ala)

Gene: GJA1 (gap junction protein alpha 1; plus strand). Cytogenetic location: 6q22.31.
Variant type: single nucleotide variant.
Coding change: c.1000C>G on transcript NM_000165.5 (MANE Select); coding-DNA position 1000, C replaced by G.
Protein change: p.Pro334Ala; replaces proline 334 with alanine.
Molecular consequence: missense variant.
Genome position (GRCh38, 1-based): chr6:121,447,847, C>G. VCF-style: chr6-121447847-C-G. GRCh37 (hg19) VCF-style: chr6-121768993-C-G.
Other names: short protein forms P334A.
Identifiers: ClinVar variation 4085010 (VCV004085010.8).

ClinVar aggregate classification (germline): Uncertain significance (1 of 4 stars; one submission).

Submission:

CeGaT Center for Human Genetics Tuebingen
Classification: Uncertain significance. Last evaluated: 2025-07-01. Review status: criteria provided, single submitter. Criteria: CeGaT Center For Human Genetics Tuebingen Variant Classification Criteria Version 2. Collection method: clinical testing. Allele origin: germline. Affected: yes. Observed: 1 variant allele.
Comment: GJA1: PM2